The following is an entry in ClinVar:

NM_020987.5(ANK3):c.627G>A (p.Ala209=)

Gene: ANK3 (ankyrin 3; minus strand). Cytogenetic location: 10q21.2.
Variant type: single nucleotide variant.
Coding change: c.627G>A on transcript NM_020987.5 (MANE Select); coding-DNA position 627, G replaced by A.
Protein change: p.Ala209=; no amino-acid change (alanine 209 retained).
Molecular consequence: synonymous variant.
Genome position (GRCh38, 1-based): chr10:60,263,907, C>T on the plus strand (G>A on the coding strand, the complement: ANK3 is on the minus strand). VCF-style: chr10-60263907-C-T. GRCh37 (hg19) VCF-style: chr10-62023665-C-T.
Other names: c.609G>A, p.Ala203= (NM_001204403.2); c.576G>A, p.Ala192= (NM_001204404.2); c.627G>A, p.Ala209= (NM_001320874.2).
Identifiers: ClinVar variation 1545850 (VCV001545850.26), dbSNP rs147054068, ClinGen allele CA5513368.

ClinVar aggregate classification (germline): Benign/Likely benign. Review status: criteria provided, multiple submitters, no conflicts (2 of 4 stars). 3 submissions from 3 submitters: Benign (1); Likely benign (2). Last evaluated 2026-01-19.

Allele frequency attached by ClinVar (database versions not stated): gnomAD exomes 0.00007 and 0.00021; ExAC 0.00032; ESP Exome Variant Server 0.00046; TOPMed 0.00054; gnomAD 0.00059 and 0.00064; 1000 Genomes Project 0.00060; 1000 Genomes Project 30x 0.00062.
gnomAD v4.1: 203 of 1,614,018 alleles (0.013%); highest among the groups gnomAD compares: African/African-American, 0.18%; 1 homozygote.

Submissions (4):

Labcorp Genetics (formerly Invitae), Labcorp
Classification: Benign. Last evaluated: 2026-01-19. Review status: criteria provided, single submitter. Criteria: Invitae Variant Classification Sherloc (09022015). Collection method: clinical testing. Allele origin: germline.

CeGaT Center for Human Genetics Tuebingen
Classification: Likely benign. Last evaluated: 2024-08-01. Review status: criteria provided, single submitter. Criteria: CeGaT Center For Human Genetics Tuebingen Variant Classification Criteria Version 2. Collection method: clinical testing. Allele origin: germline. Affected: yes. Observed: 1 variant allele.
Comment: ANK3: BP4, BP7

Blueprint Genetics
Classification: Likely benign. Last evaluated: 2023-05-05. Review status: criteria provided, single submitter. Criteria: ACMG Guidelines, 2015. Collection method: clinical testing. Allele origin: germline.

Dr. Peter K. Rogan Lab, Western University
No classification provided (evidence only). Condition: Lung cancer. Review status: no classification provided. Collection method: in vitro. Allele origin: not applicable. Functional consequence: retained intron. Not counted in ClinVar's aggregate classification.